The following is an entry in ClinVar:

NM_004006.3(DMD):c.8954T>C (p.Ile2985Thr)

Gene: DMD (dystrophin; minus strand). Cytogenetic location: Xp21.2.
Variant type: single nucleotide variant.
Coding change: c.8954T>C on transcript NM_004006.3 (MANE Select); coding-DNA position 8954, T replaced by C.
Protein change: p.Ile2985Thr; replaces isoleucine 2985 with threonine.
Molecular consequence: missense variant.
Genome position (GRCh38, 1-based): chrX:31,444,611, A>G on the plus strand (T>C on the coding strand, the complement: DMD is on the minus strand). VCF-style: chrX-31444611-A-G. GRCh37 (hg19) VCF-style: chrX-31462728-A-G.
Other names: c.8930T>C, p.Ile2977Thr (NM_000109.4); c.8942T>C, p.Ile2981Thr (NM_004009.3); c.8585T>C, p.Ile2862Thr (NM_004010.3); c.4931T>C, p.Ile1644Thr (NM_004011.4); c.4922T>C, p.Ile1641Thr (NM_004012.4); c.1574T>C, p.Ile525Thr (NM_004013.3, NM_004020.4, NM_004021.3 and 2 more transcripts); c.767T>C, p.Ile256Thr (NM_004014.3); short protein forms I1641T, I256T, I2862T, I2981T, I1644T, I2985T, I2977T, I525T.
Identifiers: ClinVar variation 4747675 (VCV004747675.1).

ClinVar aggregate classification (germline): Uncertain significance (1 of 4 stars; one submission).

Conditions:
Duchenne muscular dystrophy (DMD). Also called: MUSCULAR DYSTROPHY, PSEUDOHYPERTROPHIC PROGRESSIVE, DUCHENNE TYPE; Duchenne Muscular Dystrophy (DMD). Identifiers: Orphanet 98896, MedGen C0013264, MONDO:0010679, OMIM 310200.

Submission:

Labcorp Genetics (formerly Invitae), Labcorp
Classification: Uncertain significance for Duchenne muscular dystrophy. Last evaluated: 2026-02-03. Review status: criteria provided, single submitter. Criteria: Invitae Variant Classification Sherloc (09022015). Collection method: clinical testing. Allele origin: germline.
Comment: This sequence change replaces isoleucine, which is neutral and non-polar, with threonine, which is neutral and polar, at codon 2985 of the DMD protein (p.Ile2985Thr). This variant is not present in population databases (gnomAD no frequency). This variant has not been reported in the literature in individuals affected with DMD-related conditions. Invitae Evidence Modeling of protein sequence and biophysical properties (such as structural, functional, and spatial information, amino acid conservation, physicochemical variation, residue mobility, and thermodynamic stability) indicates that this missense variant is not expected to disrupt DMD protein function with a negative predictive value of 95%. In summary, the available evidence is currently insufficient to determine the role of this variant in disease. Therefore, it has been classified as a Variant of Uncertain Significance.